The following is an entry in ClinVar:

ClinVar aggregate classification (germline): Likely pathogenic (1 of 4 stars; one submission).

Conditions:
Very long chain acyl-CoA dehydrogenase deficiency (ACADVLD). Also called: Very Long-Chain Acyl-Coenzyme A Dehydrogenase Deficiency; VLCAD Deficiency. Identifiers: Orphanet 26793, MedGen C3887523, MONDO:0008723, OMIM 201475.

Submission:

Myriad Genetics, Inc.
Classification: Likely pathogenic for Very long chain acyl-CoA dehydrogenase deficiency. Last evaluated: 2022-02-17. Review status: criteria provided, single submitter. Criteria: Myriad Women's Health Autosomal Recessive and X-Linked Classification Criteria (2021). Collection method: clinical testing. Allele origin: unknown.
Comment: NM_000018.3(ACADVL):c.589delC(Q197Rfs*20) is expected to be pathogenic in the context of very-long-chain acyl-CoA dehydrogenase deficiency. This variant is predicted to lead to an abnormal or absent protein product due to the creation of a premature termination codon in ACADVL, a gene where loss-of-function variants are known to be pathogenic. Please note: this variant was assessed in the context of healthy population screening.

NM_000018.4(ACADVL):c.589del (p.Gln197fs)

Gene: ACADVL (acyl-CoA dehydrogenase very long chain; plus strand). Cytogenetic location: 17p13.1.
Variant type: Deletion.
Coding change: c.589del on transcript NM_000018.4 (MANE Select); coding-DNA position 589, one base deleted (C; older notation c.589delC).
Protein change: p.Gln197fs; shifts the reading frame from glutamine 197.
Molecular consequence: frameshift variant.
Genome position (GRCh38, 1-based): chr17:7,221,649, C deleted; the last of 3 consecutive C bases (chr17:7,221,647-7,221,649); deleting any one gives the same sequence. VCF-style (leftmost placement, unchanged base first): chr17-7221646-GC-G. GRCh37 (hg19) VCF-style: chr17-7124965-GC-G.
Other names: c.523del, p.Gln175fs (NM_001033859.3); c.658del, p.Gln220fs (NM_001270447.2); c.361del, p.Gln121fs (NM_001270448.2); short protein forms Q121fs, Q175fs, Q197fs, Q220fs.
Identifiers: ClinVar variation 1724506 (VCV001724506.2), dbSNP rs2508284485, ClinGen allele CA2580094791.
Genomic context (GRCh38, chr17:7,221,646, plus strand): 5'-ATTACCCTGGGGGCCCATCAGAGCATCGGTTTCAAAGGCATCCTGCTCTTTGGCACAAAG[GC>G]CCAGAAAGAAAAATACCTCCCCAAGCTGGCATCTGGTGAGGCAACCCTAGGAGAGCCAGG-3'